The following is an entry in ClinVar:

NM_001711.6(BGN):c.573C>T (p.Gly191=)

Gene: BGN (biglycan; plus strand). Cytogenetic location: Xq28.
Variant type: single nucleotide variant.
Coding change: c.573C>T on transcript NM_001711.6 (MANE Select); coding-DNA position 573, C replaced by T.
Protein change: p.Gly191=; no amino-acid change (glycine 191 retained).
Molecular consequence: synonymous variant.
Genome position (GRCh38, 1-based): chrX:153,506,536, C>T. VCF-style: chrX-153506536-C-T. GRCh37 (hg19) VCF-style: chrX-152771994-C-T.
Other names: p.Gly191=.
Identifiers: ClinVar variation 717871 (VCV000717871.17), dbSNP rs148808913, ClinGen allele CA10547278.
Genomic context (GRCh38, chrX:153,506,536, plus strand): 5'-CAGGGCTGTGCAGGGACCACCAGGCTCCCGGGCTAATGAGGTCTCTCCCCTAGAGATGGG[C>T]GGGAACCCACTGGAGAACAGTGGCTTTGAACCTGGAGCCTTCGATGGCCTGAAGCTCAAC-3'
Protein context (NP_001702.1, residues 181-201): GLRNMNCIEM[Gly191=]GNPLENSGFE

ClinVar aggregate classification (germline): Benign/Likely benign. Review status: criteria provided, multiple submitters, no conflicts (2 of 4 stars). 7 submissions from 7 submitters: Benign (5); Likely benign (2). Last evaluated 2026-01-12.

Conditions:
Cardiovascular phenotype. Identifiers: MedGen CN230736.

Allele frequency attached by ClinVar (database versions not stated): gnomAD exomes 0.00028 and 0.00066; ExAC 0.00080; gnomAD 0.00215 and 0.00240; ESP Exome Variant Server 0.00218; 1000 Genomes Project 30x 0.00271; TOPMed 0.00273; 1000 Genomes Project 0.00291.

Submissions (7):

Labcorp Genetics (formerly Invitae), Labcorp
Classification: Benign. Last evaluated: 2026-01-12. Review status: criteria provided, single submitter. Criteria: Invitae Variant Classification Sherloc (09022015). Collection method: clinical testing. Allele origin: germline.

ARUP Laboratories, Molecular Genetics and Genomics, ARUP Laboratories
Classification: Benign. Last evaluated: 2025-03-07. Review status: criteria provided, single submitter. Criteria: ARUP Molecular Germline Variant Investigation Process 2024. Collection method: clinical testing. Allele origin: germline.

Mayo Clinic Laboratories, Mayo Clinic
Classification: Benign. Last evaluated: 2024-12-18. Review status: criteria provided, single submitter. Criteria: ACMG Guidelines, 2015. Collection method: clinical testing. Allele origin: germline. Observed: 3 variant alleles.
Comment: BA1, BS2, BP4, BP7

Blueprint Genetics
Classification: Likely benign. Last evaluated: 2024-11-25. Review status: criteria provided, single submitter. Criteria: ACMG Guidelines, 2015. Collection method: clinical testing. Allele origin: germline.

Women's Health and Genetics/Laboratory Corporation of America, LabCorp
Classification: Benign. Last evaluated: 2023-07-21. Review status: criteria provided, single submitter. Criteria: LabCorp Variant Classification Summary - May 2015. Collection method: clinical testing. Allele origin: germline.

GeneDx
Classification: Benign. Last evaluated: 2019-12-04. Review status: criteria provided, single submitter. Criteria: GeneDx Variant Classification Process June 2021. Collection method: clinical testing. Allele origin: germline. Affected: yes.

Ambry Genetics
Classification: Likely benign for Cardiovascular phenotype. Last evaluated: 2019-11-07. Review status: criteria provided, single submitter. Criteria: Ambry Variant Classification Scheme 2023. Collection method: clinical testing. Allele origin: germline.